The following is an entry in ClinVar:

NM_203447.4(DOCK8):c.3880C>T (p.Arg1294Cys)

Gene: DOCK8 (dedicator of cytokinesis 8; plus strand). Cytogenetic location: 9p24.3.
Variant type: single nucleotide variant.
Coding change: c.3880C>T on transcript NM_203447.4 (MANE Select); coding-DNA position 3880, C replaced by T.
Protein change: p.Arg1294Cys; replaces arginine 1294 with cysteine.
Molecular consequence: missense variant.
Genome position (GRCh38, 1-based): chr9:420,440, C>T. VCF-style: chr9-420440-C-T. GRCh37 (hg19) VCF-style: chr9-420440-C-T.
Other names: c.3580C>T, p.Arg1194Cys (NM_001190458.2); c.3676C>T, p.Arg1226Cys (NM_001193536.2); short protein forms R1194C, R1226C, R1294C.
Identifiers: ClinVar variation 1003298 (VCV001003298.8), dbSNP rs1281735732, ClinGen allele CA372763712.

ClinVar aggregate classification (germline): Uncertain significance. Review status: criteria provided, multiple submitters, no conflicts (2 of 4 stars). 2 submissions from 2 submitters: Uncertain significance (2). Last evaluated 2022-08-16.

Conditions:
Hyper-IgE recurrent infection syndrome 3, autosomal recessive. Also called: Autosomal recessive hyper-IgE syndrome due to ZNF341 deficiency; HYPER-IgE SYNDROME 3, AUTOSOMAL RECESSIVE, WITH RECURRENT INFECTIONS. Identifiers: Orphanet 641368, MedGen C4748969, MONDO:0032654, OMIM 618282.

Allele frequency attached by ClinVar (database versions not stated): gnomAD exomes below 0.00001 and 0.00001; TOPMed 0.00002; gnomAD 0.00003 and 0.00004.
gnomAD v4.1: 14 of 1,614,038 alleles (0.00087%); highest among the groups gnomAD compares: East Asian, 0.0089%; no homozygotes.

Submissions (2):

Blueprint Genetics
Classification: Uncertain significance. Last evaluated: 2022-08-16. Review status: criteria provided, single submitter. Criteria: ACMG Guidelines, 2015. Collection method: clinical testing. Allele origin: germline.

Labcorp Genetics (formerly Invitae), Labcorp
Classification: Uncertain significance for Combined immunodeficiency due to DOCK8 deficiency. Last evaluated: 2020-07-08. Review status: criteria provided, single submitter. Criteria: Invitae Variant Classification Sherloc (09022015). Collection method: clinical testing. Allele origin: germline.
Comment: In summary, the available evidence is currently insufficient to determine the role of this variant in disease. Therefore, it has been classified as a Variant of Uncertain Significance. Algorithms developed to predict the effect of missense changes on protein structure and function (SIFT, PolyPhen-2, Align-GVGD) all suggest that this variant is likely to be disruptive, but these predictions have not been confirmed by published functional studies and their clinical significance is uncertain. This variant has not been reported in the literature in individuals with DOCK8-related conditions. This variant is not present in population databases (ExAC no frequency). This sequence change replaces arginine with cysteine at codon 1294 of the DOCK8 protein (p.Arg1294Cys). The arginine residue is highly conserved and there is a large physicochemical difference between arginine and cysteine.